The following is an entry in ClinVar:

ClinVar aggregate classification (germline): Uncertain significance. Review status: criteria provided, multiple submitters, no conflicts (2 of 4 stars). 5 submissions from 5 submitters: Uncertain significance (4). 1 of the submissions does not count toward it. Last evaluated 2024-12-18.

Conditions:
Hereditary cancer-predisposing syndrome. Also called: Tumor predisposition; Neoplastic Syndromes, Hereditary; Hereditary Cancer Syndrome; Hereditary neoplastic syndrome. Identifiers: Orphanet 140162, MedGen C0027672, MeSH D009386, MONDO:0015356.
Familial cancer of breast. Also called: Hereditary breast cancer; BREAST CANCER, FAMILIAL; hereditary breast carcinoma. Identifiers: Orphanet 227535, MedGen C0346153, MONDO:0016419, OMIM 114480. Disease mechanism: loss of function.
Malignant tumor of breast. Also called: Cancer breast; Malignant breast neoplasm. Identifiers: MedGen C0006142, MONDO:0007254. Disease mechanism: loss of function.

Allele frequency attached by ClinVar (database versions not stated): ExAC 0.00001.

Submissions (5):

Ambry Genetics
Classification: Uncertain significance for Hereditary cancer-predisposing syndrome. Last evaluated: 2024-12-18. Review status: criteria provided, single submitter. Criteria: Ambry Variant Classification Scheme 2023. Collection method: clinical testing. Allele origin: germline.
Comment: The p.G656R variant (also known as c.1966G>C), located in coding exon 10 of the BARD1 gene, results from a G to C substitution at nucleotide position 1966. The glycine at codon 656 is replaced by arginine, an amino acid with dissimilar properties. This alteration was found to be functionally intermediate in a homology-directed DNA repair (HDR) assay (Adamovich AI et al. PLoS Genet, 2019 Mar;15:e1008049). This variant was observed in 1/3251 individuals who met eligibility criteria for hereditary breast and ovarian cancer syndrome (Lerner-Ellis J et al. J Cancer Res Clin Oncol, 2021 Mar;147:871-879). This amino acid position is highly conserved in available vertebrate species. In addition, this alteration is predicted to be deleterious by in silico analysis. Based on the available evidence, the clinical significance of this variant remains unclear.

Labcorp Genetics (formerly Invitae), Labcorp
Classification: Uncertain significance for Familial cancer of breast. Last evaluated: 2024-12-17. Review status: criteria provided, single submitter. Criteria: Invitae Variant Classification Sherloc (09022015). Collection method: clinical testing. Allele origin: germline.
Comment: This sequence change replaces glycine, which is neutral and non-polar, with arginine, which is basic and polar, at codon 656 of the BARD1 protein (p.Gly656Arg). This variant is present in population databases (rs766781362, gnomAD 0.0009%). This variant has not been reported in the literature in individuals affected with BARD1-related conditions. ClinVar contains an entry for this variant (Variation ID: 245820). An algorithm developed to predict the effect of missense changes on protein structure and function (PolyPhen-2) suggests that this variant is likely to be disruptive. Experimental studies have shown that this missense change affects BARD1 function (PMID: 30925164). In summary, the available evidence is currently insufficient to determine the role of this variant in disease. Therefore, it has been classified as a Variant of Uncertain Significance.

Quest Diagnostics Nichols Institute San Juan Capistrano
Classification: Uncertain significance. Last evaluated: 2017-09-11. Review status: criteria provided, single submitter. Criteria: Quest Diagnostics criteria. Collection method: clinical testing. Allele origin: germline.

GeneDx
Classification: Uncertain significance. Last evaluated: 2016-01-05. Review status: criteria provided, single submitter. Criteria: GeneDx Variant Classification (06012015). Collection method: clinical testing. Allele origin: germline. Affected: yes.
Comment: This variant is denoted BARD1 c.1966G>C at the cDNA level, p.Gly656Arg (G656R) at the protein level, and results in the change of a Glycine to an Arginine (GGT>CGT). This variant has not, to our knowledge, been published in the literature as pathogenic or benign. BARD1 Gly656Arg was not observed in approximately 6,500 individuals of European and African American ancestry in the NHLBI Exome Sequencing Project, indicating it is not a common benign variant in these populations. Since Glycine and Arginine differ in polarity, charge, size or other properties, this is considered a non-conservative amino acid substitution. BARD1 Gly656Arg occurs at a position that is conserved across species and is not located in a known functional domain. In silico analyses predict that this variant is probably damaging to protein structure and function. Based on currently available information, it is unclear whether BARD1 Gly656Arg is pathogenic or benign. We consider it to be a variant of uncertain significance.

Department of Pathology and Laboratory Medicine, Sinai Health System
Classification: Uncertain significance for Malignant tumor of breast. Review status: no assertion criteria provided. Collection method: clinical testing. Allele origin: unknown. Affected: yes. Study: The Canadian Open Genetics Repository (COGR). Not counted in ClinVar's aggregate classification.
Comment: The BARD1 p.Gly656Arg variant was not identified in the literature nor was it identified in the Cosmic, MutDB, or Zhejiang University Database. The variant was identified in dbSNP (ID: rs766781362) as "With Uncertain significance allele", and in ClinVar (classified as uncertain significance by GeneDx). The variant was identified in control databases in 1 of 246140 chromosomes at a frequency of 0.000004 (Genome Aggregation Database Feb 27, 2017). The variant was observed in the European population in 1 of 111616 chromosomes (freq: 0.000009), but not observed in the African, â€šÃ„ÃºOtherâ€šÃ„Ã¹, Latino, Ashkenazi Jewish, East Asian, Finnish, or South Asian populations. The p.Gly656 residue is conserved across mammals and other organisms, and computational analyses (PolyPhen-2, SIFT, AlignGVGD, BLOSUM, MutationTaster) suggest that the variant may impact the protein; however, this information is not predictive enough to assume pathogenicity. The variant occurs outside of the splicing consensus sequence and 2 of 4 in silico or computational prediction software programs (SpliceSiteFinder, MaxEntScan, NNSPLICE, GeneSplicer) predict a greater than 10% difference in splicing; this is not very predictive of pathogenicity. In summary, based on the above information the clinical significance of this variant cannot be determined with certainty at this time. This variant is classified as a variant of uncertain significance.

Literature cited by the submitters: PubMed 30925164 (cited by Ambry Genetics and Labcorp Genetics (formerly Invitae), Labcorp); PubMed 32885271 (cited by Ambry Genetics).

NM_000465.4(BARD1):c.1966G>C (p.Gly656Arg)

Gene: BARD1 (BRCA1 associated RING domain 1; minus strand). Cytogenetic location: 2q35.
Variant type: single nucleotide variant.
Coding change: c.1966G>C on transcript NM_000465.4 (MANE Select); coding-DNA position 1966, G replaced by C.
Protein change: p.Gly656Arg; replaces glycine 656 with arginine.
Molecular consequence: missense variant. On other transcripts: non-coding transcript variant (3).
Genome position (GRCh38, 1-based): chr2:214,730,446, C>G on the plus strand (G>C on the coding strand, the complement: BARD1 is on the minus strand). VCF-style: chr2-214730446-C-G. GRCh37 (hg19) VCF-style: chr2-215595170-C-G.
Other names: c.1909G>C, p.Gly637Arg (NM_001282543.2); c.613G>C, p.Gly205Arg (NM_001282545.2); c.556G>C, p.Gly186Arg (NM_001282548.2); c.427G>C, p.Gly143Arg (NM_001282549.2); short protein forms G656R, G186R, G637R, G143R, G205R.
Identifiers: ClinVar variation 245820 (VCV000245820.15), dbSNP rs766781362, ClinGen allele CA2090112.
Genomic context (GRCh38, chr2:214,730,446, plus strand): 5'-GAAAGTTGTATTAAAAGAAAAATACCAGCTGTTCTCTGTTGAGCCTGCTTCTGCGTGGAC[C>G]TTCAGGAATTTCATACTTTTCTTCCTGTTCACATACTTTTCTTCGTAGACATGCTTTTAC-3'
Protein context (NP_000456.2, residues 646-666): EQEEKYEIPE[Gly656Arg]PRRSRLNREQ